The following is an entry in ClinVar:

NM_017654.4(SAMD9):c.4645del (p.Ile1549fs)

Gene: SAMD9 (sterile alpha motif domain containing 9; minus strand). Cytogenetic location: 7q21.2.
Variant type: Deletion.
Coding change: c.4645del on transcript NM_017654.4 (MANE Select); coding-DNA position 4645, one base deleted (A; older notation c.4645delA).
Protein change: p.Ile1549fs; shifts the reading frame from isoleucine 1549.
Molecular consequence: frameshift variant.
Genome position (GRCh38, 1-based): chr7:93,101,453, T deleted on the plus strand (A on the coding strand, the reverse complement: SAMD9 is on the minus strand); the first of 6 consecutive T bases (chr7:93,101,453-93,101,458); deleting any one gives the same sequence. VCF-style (leftmost placement, unchanged base first): chr7-93101452-AT-A. GRCh37 (hg19) VCF-style: chr7-92730765-AT-A.
Other names: c.4645del, p.Ile1549fs (NM_001193307.2); short protein forms I1549fs.
Identifiers: ClinVar variation 1406011 (VCV001406011.5), dbSNP rs761819522, ClinGen allele CA645555372.

ClinVar aggregate classification (germline): Uncertain significance (1 of 4 stars; one submission).

Submission:

Labcorp Genetics (formerly Invitae), Labcorp
Classification: Uncertain significance. Last evaluated: 2026-01-05. Review status: criteria provided, single submitter. Criteria: Invitae Variant Classification Sherloc (09022015). Collection method: clinical testing. Allele origin: germline.
Comment: This sequence change creates a premature translational stop signal (p.Ile1549Serfs*10) in the SAMD9 gene. While this is not anticipated to result in nonsense mediated decay, it is expected to disrupt the last 41 amino acid(s) of the SAMD9 protein. This variant is not present in population databases (gnomAD no frequency). This variant has not been reported in the literature in individuals affected with SAMD9-related conditions. ClinVar contains an entry for this variant (Variation ID: 1406011). In summary, the available evidence is currently insufficient to determine the role of this variant in disease. Therefore, it has been classified as a Variant of Uncertain Significance.